The following is an entry in ClinVar:

ClinVar aggregate classification (germline): Likely benign (0 of 4 stars; one submission).

Conditions:
ABCB11-related disorder. Also called: ABCB11-related condition.

Submission:

PreventionGenetics, part of Exact Sciences
Classification: Likely benign for ABCB11-related condition. Last evaluated: 2023-08-09. Review status: no assertion criteria provided. Collection method: clinical testing. Allele origin: germline.
Comment: This variant is classified as likely benign based on ACMG/AMP sequence variant interpretation guidelines (Richards et al. 2015 PMID: 25741868, with internal and published modifications).

NM_003742.4(ABCB11):c.678G>T (p.Ser226=)

Gene: ABCB11 (ATP binding cassette subfamily B member 11; minus strand). Cytogenetic location: 2q31.1.
Variant type: single nucleotide variant.
Coding change: c.678G>T on transcript NM_003742.4 (MANE Select); coding-DNA position 678, G replaced by T.
Protein change: p.Ser226=; no amino-acid change (serine 226 retained).
Molecular consequence: synonymous variant.
Genome position (GRCh38, 1-based): chr2:168,993,816, C>A on the plus strand (G>T on the coding strand, the complement: ABCB11 is on the minus strand). VCF-style: chr2-168993816-C-A. GRCh37 (hg19) VCF-style: chr2-169850326-C-A.
Identifiers: ClinVar variation 3045101 (VCV003045101.2), dbSNP rs777962265, ClinGen allele CA429917309.